The following is an entry in ClinVar:

NM_001039958.2(MESP2):c.250C>A (p.Gln84Lys)

Genes: MESP2 (mesoderm posterior bHLH transcription factor 2; plus strand), LOC130057891 (ATAC-STARR-seq lymphoblastoid silent region 6806; plus strand). Cytogenetic location: 15q26.1.
Variant type: single nucleotide variant.
Coding change: c.250C>A on transcript NM_001039958.2 (MANE Select); coding-DNA position 250, C replaced by A.
Protein change: p.Gln84Lys; replaces glutamine 84 with lysine.
Molecular consequence: missense variant.
Genome position (GRCh38, 1-based): chr15:89,776,607, C>A. VCF-style: chr15-89776607-C-A. GRCh37 (hg19) VCF-style: chr15-90319838-C-A.
Other names: short protein forms Q84K.
Identifiers: ClinVar variation 3336591 (VCV003336591.1).

ClinVar aggregate classification (germline): Uncertain significance (1 of 4 stars; one submission).

Submission:

Women's Health and Genetics/Laboratory Corporation of America, LabCorp
Classification: Uncertain significance. Last evaluated: 2024-05-15. Review status: criteria provided, single submitter. Criteria: LabCorp Variant Classification Summary - May 2015. Collection method: clinical testing. Allele origin: germline.
Comment: Variant summary: MESP2 c.250C>A (p.Gln84Lys) results in a conservative amino acid change located in the Myc-type, basic helix-loop-helix (bHLH) domain (IPR011598) of the encoded protein sequence. Three of five in-silico tools predict a benign effect of the variant on protein function. The variant was absent in 116112 control chromosomes. The available data on variant occurrences in the general population are insufficient to allow any conclusion about variant significance. To our knowledge, no occurrence of c.250C>A in individuals affected with Spondylocostal Dysostosis 2 and no experimental evidence demonstrating its impact on protein function have been reported. No submitters have cited clinical-significance assessments for this variant to ClinVar. Based on the evidence outlined above, the variant was classified as uncertain significance.